The following is an entry in ClinVar:

NM_001370.2(DNAH6):c.7322G>A (p.Gly2441Asp)

Gene: DNAH6 (dynein axonemal heavy chain 6; plus strand). Cytogenetic location: 2p11.2.
Variant type: single nucleotide variant.
Coding change: c.7322G>A on transcript NM_001370.2 (MANE Select); coding-DNA position 7322, G replaced by A.
Protein change: p.Gly2441Asp; replaces glycine 2441 with aspartic acid.
Molecular consequence: missense variant.
Genome position (GRCh38, 1-based): chr2:84,694,278, G>A. VCF-style: chr2-84694278-G-A. GRCh37 (hg19) VCF-style: chr2-84921402-G-A.
Other names: short protein forms G2441D.
Identifiers: ClinVar variation 3766037 (VCV003766037.1).

ClinVar aggregate classification (germline): Uncertain significance (1 of 4 stars; one submission).

gnomAD v4.1: 16 of 1,551,982 alleles (0.001%); highest among the groups gnomAD compares: Non-Finnish European, 0.0013%; no homozygotes.

Submission:

GeneDx
Classification: Uncertain significance. Last evaluated: 2024-09-01. Review status: criteria provided, single submitter. Criteria: GeneDx Variant Classification Process June 2021. Collection method: clinical testing. Allele origin: germline. Affected: yes.
Comment: Not observed at significant frequency in large population cohorts (gnomAD); In silico analysis supports that this missense variant has a deleterious effect on protein structure/function; Has not been previously published as pathogenic or benign to our knowledge